The following is an entry in ClinVar:

NM_001042545.2(LTBP4):c.1316C>G (p.Pro439Arg)

Gene: LTBP4 (latent transforming growth factor beta binding protein 4; plus strand). Cytogenetic location: 19q13.2.
Variant type: single nucleotide variant.
Coding change: c.1316C>G on transcript NM_001042545.2 (MANE Select); coding-DNA position 1316, C replaced by G.
Protein change: p.Pro439Arg; replaces proline 439 with arginine.
Molecular consequence: missense variant.
Genome position (GRCh38, 1-based): chr19:40,608,493, C>G. VCF-style: chr19-40608493-C-G. GRCh37 (hg19) VCF-style: chr19-41114399-C-G.
Other names: c.1517C>G, p.Pro506Arg (NM_001042544.1); c.1406C>G, p.Pro469Arg (NM_003573.2); short protein forms P469R, P506R, P439R.
Identifiers: ClinVar variation 1910201 (VCV001910201.4), dbSNP rs757697881, ClinGen allele CA308449740.

ClinVar aggregate classification (germline): Uncertain significance (1 of 4 stars; one submission).

Allele frequency attached by ClinVar (database versions not stated): gnomAD exomes 0.00001.
gnomAD v4.1: 9 of 1,603,404 alleles (0.00056%); highest among the groups gnomAD compares: Non-Finnish European, 0.00077%; no homozygotes.

Submission:

Labcorp Genetics (formerly Invitae), Labcorp
Classification: Uncertain significance. Last evaluated: 2023-10-13. Review status: criteria provided, single submitter. Criteria: Invitae Variant Classification Sherloc (09022015). Collection method: clinical testing. Allele origin: germline.
Comment: This sequence change replaces proline, which is neutral and non-polar, with arginine, which is basic and polar, at codon 469 of the LTBP4 protein (p.Pro469Arg). This variant is not present in population databases (gnomAD no frequency). This variant has not been reported in the literature in individuals affected with LTBP4-related conditions. ClinVar contains an entry for this variant (Variation ID: 1910201). Experimental studies and prediction algorithms are not available or were not evaluated, and the functional significance of this variant is currently unknown. In summary, the available evidence is currently insufficient to determine the role of this variant in disease. Therefore, it has been classified as a Variant of Uncertain Significance.